The following is an entry in ClinVar:

ClinVar aggregate classification (germline): Likely benign (1 of 4 stars; one submission).

Allele frequency attached by ClinVar (database versions not stated): 1000 Genomes Project 0.01238; TOPMed 0.02172; gnomAD 0.02594 and 0.02712.
gnomAD v4.1: 3,970 of 152,296 alleles (2.6%); highest among the groups gnomAD compares: Non-Finnish European, 4%; 84 homozygotes.

Submission:

GeneDx
Classification: Likely benign. Last evaluated: 2018-06-19. Review status: criteria provided, single submitter. Criteria: GeneDx Variant Classification (06012015). Collection method: clinical testing. Allele origin: germline. Affected: yes.
Comment: This variant is considered likely benign or benign based on one or more of the following criteria: it is a conservative change, it occurs at a poorly conserved position in the protein, it is predicted to be benign by multiple in silico algorithms, and/or has population frequency not consistent with disease.

NM_024753.5(TTC21B):c.2462-258A>G

Gene: TTC21B (tetratricopeptide repeat domain 21B; minus strand). Cytogenetic location: 2q24.3.
Variant type: single nucleotide variant.
Coding change: c.2462-258A>G on transcript NM_024753.5 (MANE Select); 258 bases into the intron before coding-DNA position 2462, A replaced by G.
Molecular consequence: intron variant.
Genome position (GRCh38, 1-based): chr2:165,908,042, T>C on the plus strand (A>G on the coding strand, the complement: TTC21B is on the minus strand). VCF-style: chr2-165908042-T-C. GRCh37 (hg19) VCF-style: chr2-166764552-T-C.
Identifiers: ClinVar variation 674042 (VCV000674042.1), dbSNP rs7595385, ClinGen allele CA59793240.